The following is an entry in ClinVar:

ClinVar aggregate classification (germline): Uncertain significance (1 of 4 stars; one submission).

Submission:

Ambry Genetics
Classification: Uncertain significance. Last evaluated: 2024-03-17. Review status: criteria provided, single submitter. Criteria: Ambry Variant Classification Scheme 2023. Collection method: clinical testing. Allele origin: germline.
Comment: The p.L86Q variant (also known as c.257T>A), located in coding exon 1 of the GALNT12 gene, results from a T to A substitution at nucleotide position 257. The leucine at codon 86 is replaced by glutamine, an amino acid with dissimilar properties. This amino acid position is conserved. In addition, this alteration is predicted to be tolerated by in silico analysis. Based on the available evidence, the clinical significance of this alteration remains unclear.

NM_024642.5(GALNT12):c.257T>A (p.Leu86Gln)

Gene: GALNT12 (polypeptide N-acetylgalactosaminyltransferase 12; plus strand). Cytogenetic location: 9q22.33.
Variant type: single nucleotide variant.
Coding change: c.257T>A on transcript NM_024642.5 (MANE Select); coding-DNA position 257, T replaced by A.
Protein change: p.Leu86Gln; replaces leucine 86 with glutamine.
Molecular consequence: missense variant.
Genome position (GRCh38, 1-based): chr9:98,807,955, T>A. VCF-style: chr9-98807955-T-A. GRCh37 (hg19) VCF-style: chr9-101570237-T-A.
Other names: short protein forms L86Q.
Identifiers: ClinVar variation 3280560 (VCV003280560.1).